The following is an entry in ClinVar:

NM_172107.4(KCNQ2):c.414C>T (p.Gly138=)

Gene: KCNQ2 (potassium voltage-gated channel subfamily Q member 2; minus strand). Cytogenetic location: 20q13.33.
Variant type: single nucleotide variant.
Coding change: c.414C>T on transcript NM_172107.4 (MANE Select); coding-DNA position 414, C replaced by T.
Protein change: p.Gly138=; no amino-acid change (glycine 138 retained).
Molecular consequence: synonymous variant.
Genome position (GRCh38, 1-based): chr20:63,445,338, G>A on the plus strand (C>T on the coding strand, the complement: KCNQ2 is on the minus strand). VCF-style: chr20-63445338-G-A. GRCh37 (hg19) VCF-style: chr20-62076691-G-A.
Other names: c.414C>T, p.Gly138= (NM_004518.6, NM_172106.3, NM_172108.5 and 1 more transcripts).
Identifiers: ClinVar variation 574252 (VCV000574252.29), dbSNP rs762713462, ClinGen allele CA9958822.
Genomic context (GRCh38, chr20:63,445,338, plus strand): 5'-CCTCCAGCCACGGTACCGGCAGCAGCAGCCTGCGGCCCAGATCCGCACGAAGTACTCCAC[G>A]CCAAACACCACGATAGTCACGATTTCCTGCAGGGGAGGAAAGCTGAGGCCACCTTGAGGC-3'
Protein context (NP_742105.1, residues 128-148): ILEIVTIVVF[Gly138=]VEYFVRIWAA

ClinVar aggregate classification (germline): Benign/Likely benign. Review status: criteria provided, multiple submitters, no conflicts (2 of 4 stars). 4 submissions from 4 submitters: Benign (1); Likely benign (3). Last evaluated 2025-12-01.

Conditions:
Inborn genetic diseases. Identifiers: MedGen C0950123, MeSH D030342.
Early-infantile DEE. Also called: Ohtahara syndrome; Early infantile epileptic encephalopathy; Early infantile epileptic encephalopathy with suppression bursts. Identifiers: Orphanet 1934, MedGen C0393706, MONDO:0800491.

Allele frequency attached by ClinVar (database versions not stated): ExAC 0.00001; gnomAD 0.00001 and 0.00002; gnomAD exomes 0.00002 and 0.00006; TOPMed 0.00003.
gnomAD v4.1: 38 of 1,613,730 alleles (0.0024%); highest among the groups gnomAD compares: East Asian, 0.033%; no homozygotes.

Submissions (4):

CeGaT Center for Human Genetics Tuebingen
Classification: Likely benign. Last evaluated: 2025-12-01. Review status: criteria provided, single submitter. Criteria: CeGaT Center For Human Genetics Tuebingen Variant Classification Criteria Version 2. Collection method: clinical testing. Allele origin: germline. Affected: yes. Observed: 2 variant alleles.
Comment: KCNQ2: BP4, BP7

Labcorp Genetics (formerly Invitae), Labcorp
Classification: Likely benign for Early-infantile DEE. Last evaluated: 2025-10-10. Review status: criteria provided, single submitter. Criteria: Invitae Variant Classification Sherloc (09022015). Collection method: clinical testing. Allele origin: germline.

Ambry Genetics
Classification: Likely benign for Inborn genetic diseases. Last evaluated: 2019-12-30. Review status: criteria provided, single submitter. Criteria: Ambry Variant Classification Scheme 2023. Collection method: clinical testing. Allele origin: germline.

GeneDx
Classification: Benign. Last evaluated: 2019-01-07. Review status: criteria provided, single submitter. Criteria: GeneDx Variant Classification Process June 2021. Collection method: clinical testing. Allele origin: germline. Affected: yes.